The following is an entry in ClinVar:

ClinVar aggregate classification (germline): Uncertain significance. Review status: criteria provided, multiple submitters, no conflicts (2 of 4 stars). 3 submissions from 3 submitters: Uncertain significance (3). Last evaluated 2025-01-02.

Conditions:
Vici syndrome (VICIS). Identifiers: Orphanet 1493, MedGen C1855772, MONDO:0009452, OMIM 242840.
Inborn genetic diseases. Identifiers: MedGen C0950123, MeSH D030342.

Allele frequency attached by ClinVar (database versions not stated): gnomAD exomes 0.00003 and 0.00007; ExAC 0.00013; gnomAD 0.00040 and 0.00041; ESP Exome Variant Server 0.00041; TOPMed 0.00042; 1000 Genomes Project 0.00060; 1000 Genomes Project 30x 0.00078.
gnomAD v4.1: 102 of 1,611,558 alleles (0.0063%); highest among the groups gnomAD compares: African/African-American, 0.12%; no homozygotes.

Submissions (3):

Ambry Genetics
Classification: Uncertain significance for Inborn genetic diseases. Last evaluated: 2025-01-02. Review status: criteria provided, single submitter. Criteria: Ambry Variant Classification Scheme 2023. Collection method: clinical testing. Allele origin: germline.

GeneDx
Classification: Uncertain significance. Last evaluated: 2024-05-15. Review status: criteria provided, single submitter. Criteria: GeneDx Variant Classification Process June 2021. Collection method: clinical testing. Allele origin: germline. Affected: yes.
Comment: In silico analysis indicates that this missense variant does not alter protein structure/function; Has not been previously published as pathogenic or benign to our knowledge

Labcorp Genetics (formerly Invitae), Labcorp
Classification: Uncertain significance for Vici syndrome. Last evaluated: 2022-03-07. Review status: criteria provided, single submitter. Criteria: Invitae Variant Classification Sherloc (09022015). Collection method: clinical testing. Allele origin: germline.
Comment: This sequence change replaces valine, which is neutral and non-polar, with isoleucine, which is neutral and non-polar, at codon 1300 of the EPG5 protein (p.Val1300Ile). This variant is present in population databases (rs201495638, gnomAD 0.1%). This variant has not been reported in the literature in individuals affected with EPG5-related conditions. ClinVar contains an entry for this variant (Variation ID: 948726). Algorithms developed to predict the effect of missense changes on protein structure and function output the following: SIFT: "Tolerated"; PolyPhen-2: "Benign"; Align-GVGD: "Class C0". The isoleucine amino acid residue is found in multiple mammalian species, which suggests that this missense change does not adversely affect protein function. In summary, the available evidence is currently insufficient to determine the role of this variant in disease. Therefore, it has been classified as a Variant of Uncertain Significance.

NM_020964.3(EPG5):c.3898G>A (p.Val1300Ile)

Gene: EPG5 (ectopic P-granules 5 autophagy tethering factor; minus strand). Cytogenetic location: 18q21.1.
Variant type: single nucleotide variant.
Coding change: c.3898G>A on transcript NM_020964.3 (MANE Select); coding-DNA position 3898, G replaced by A.
Protein change: p.Val1300Ile; replaces valine 1300 with isoleucine.
Molecular consequence: missense variant.
Genome position (GRCh38, 1-based): chr18:45,912,375, C>T on the plus strand (G>A on the coding strand, the complement: EPG5 is on the minus strand). VCF-style: chr18-45912375-C-T. GRCh37 (hg19) VCF-style: chr18-43492340-C-T.
Other names: short protein forms V1300I.
Identifiers: ClinVar variation 948726 (VCV000948726.8), dbSNP rs201495638, ClinGen allele CA8949032.